The following is an entry in ClinVar:

NM_001111.5(ADAR):c.-56G>T

Genes: ADAR (adenosine deaminase RNA specific; minus strand), LOC129931512 (ATAC-STARR-seq lymphoblastoid silent region 1364; plus strand). Cytogenetic location: 1q21.3.
Variant type: single nucleotide variant.
Coding change: c.-56G>T on transcript NM_001111.5 (MANE Select); 56 bases upstream of the start codon, G replaced by T.
Molecular consequence: 5 prime UTR variant. On other transcripts: intron variant (4).
Genome position (GRCh38, 1-based): chr1:154,608,062, C>A on the plus strand (G>T on the coding strand, the complement: ADAR is on the minus strand). VCF-style: chr1-154608062-C-A. GRCh37 (hg19) VCF-style: chr1-154580538-C-A.
Other names: c.-805G>T (NM_001365047.1, NM_001365049.1); c.-56G>T (NM_015840.4, NM_015841.4); c.-734-5436G>T (NM_001365046.1); c.43-5436G>T (NM_001365045.1); c.-870-5436G>T (NM_001025107.3); c.-871+689G>T (NM_001365048.1).
Identifiers: ClinVar variation 4992073 (VCV004992073.1).

ClinVar aggregate classification (germline): Likely benign (1 of 4 stars; one submission).

Conditions:
ADAR-related disorder. Also called: ADAR-related disorders; ADAR-related condition.

gnomAD v4.1: 433 of 1,524,060 alleles (0.028%); highest among the groups gnomAD compares: Admixed American, 0.054%; no homozygotes.

Submission:

PreventionGenetics, part of Exact Sciences
Classification: Likely benign for ADAR-related condition. Last evaluated: 2026-03-24. Review status: criteria provided, single submitter. Criteria: ACMG Guidelines, 2015. Collection method: clinical testing. Allele origin: germline.
Comment: This variant is classified as likely benign based on ACMG/AMP sequence variant interpretation guidelines (Richards et al. 2015 PMID: 25741868, with internal and published modifications).